The following is an entry in ClinVar:

NM_001358235.2(DCHS2):c.44G>A (p.Arg15Gln)

Gene: DCHS2 (dachsous cadherin-related 2; minus strand). Cytogenetic location: 4q31.3.
Variant type: single nucleotide variant.
Coding change: c.44G>A on transcript NM_001358235.2 (MANE Select); coding-DNA position 44, G replaced by A.
Protein change: p.Arg15Gln; replaces arginine 15 with glutamine.
Molecular consequence: missense variant. On other transcripts: synonymous variant (1).
Genome position (GRCh38, 1-based): chr4:154,491,312, C>T on the plus strand (G>A on the coding strand, the complement: DCHS2 is on the minus strand). VCF-style: chr4-154491312-C-T. GRCh37 (hg19) VCF-style: chr4-155412464-C-T.
Other names: c.44G>A, p.Arg15Gln (NM_001142552.2); c.44A=, p.Gln15= (NM_001412223.1); short protein forms R15Q.
Identifiers: ClinVar variation 3060408 (VCV003060408.2), dbSNP rs13149269, ClinGen allele CA3113938.

ClinVar aggregate classification (germline): Benign (0 of 4 stars; one submission).

Conditions:
DCHS2-related disorder. Also called: DCHS2-related condition.

Allele frequency attached by ClinVar (database versions not stated): 1000 Genomes Project 0.37280; 1000 Genomes Project 30x 0.37352; gnomAD 0.42947; TOPMed 0.43061; gnomAD exomes 0.44771; ExAC 0.47631.
gnomAD v4.1: 689,936 of 1,547,450 alleles (45%); highest among the groups gnomAD compares: Admixed American, 49%; 156,086 homozygotes.

Submission:

PreventionGenetics, part of Exact Sciences
Classification: Benign for DCHS2-related condition. Last evaluated: 2019-10-21. Review status: no assertion criteria provided. Collection method: clinical testing. Allele origin: germline.
Comment: This variant is classified as benign based on ACMG/AMP sequence variant interpretation guidelines (Richards et al. 2015 PMID: 25741868, with internal and published modifications).